The following is an entry in ClinVar:

ClinVar aggregate classification (germline): Benign. Review status: criteria provided, multiple submitters, no conflicts (2 of 4 stars). 3 submissions from 3 submitters: Benign (3). Last evaluated 2026-01-15.

Conditions:
Fleck corneal dystrophy (CFD). Also called: CORNEAL DYSTROPHY, FRANCOIS-NEETENS SPECKLED OR FLECKED. Identifiers: Orphanet 98970, MedGen C1562113, MONDO:0007376, OMIM 121850.

Allele frequency attached by ClinVar (database versions not stated): 1000 Genomes Project 0.00120; 1000 Genomes Project 30x 0.00125; TOPMed 0.00269; gnomAD 0.00298 and 0.00305; ESP Exome Variant Server 0.00377.
gnomAD v4.1: 7,094 of 1,613,410 alleles (0.44%); highest among the groups gnomAD compares: Non-Finnish European, 0.53%; 27 homozygotes.

Submissions (3):

Labcorp Genetics (formerly Invitae), Labcorp
Classification: Benign. Last evaluated: 2026-01-15. Review status: criteria provided, single submitter. Criteria: Invitae Variant Classification Sherloc (09022015). Collection method: clinical testing. Allele origin: germline.

Illumina Laboratory Services, Illumina
Classification: Benign for Fleck corneal dystrophy. Last evaluated: 2018-01-12. Review status: criteria provided, single submitter. Criteria: ICSL Variant Classification Criteria 13 December 2019. Collection method: clinical testing. Allele origin: germline.
Comment: This variant was observed in the ICSL laboratory as part of a predisposition screen in an ostensibly healthy population. It had not been previously curated by ICSL or reported in the Human Gene Mutation Database (HGMD: prior to June 1st, 2018), and was therefore a candidate for classification through an automated scoring system. Utilizing variant allele frequency, disease prevalence and penetrance estimates, and inheritance mode, an automated score was calculated to assess if this variant is too frequent to cause the disease. Based on the score and internal cut-off values, a variant classified as benign is not then subjected to further curation. The score for this variant resulted in a classification of benign for this disease.

Breakthrough Genomics
Classification: Benign. Review status: criteria provided, single submitter. Criteria: ACMG Guidelines, 2015. Collection method: not provided. Allele origin: germline. Inheritance: Autosomal dominant inheritance. Affected: yes.

NM_015040.4(PIKFYVE):c.4629A>G (p.Ala1543=)

Gene: PIKFYVE (phosphoinositide kinase, FYVE-type zinc finger containing; plus strand). Cytogenetic location: 2q34.
Variant type: single nucleotide variant.
Coding change: c.4629A>G on transcript NM_015040.4 (MANE Select); coding-DNA position 4629, A replaced by G.
Protein change: p.Ala1543=; no amino-acid change (alanine 1543 retained).
Molecular consequence: synonymous variant.
Genome position (GRCh38, 1-based): chr2:208,338,525, A>G. VCF-style: chr2-208338525-A-G. GRCh37 (hg19) VCF-style: chr2-209203249-A-G.
Identifiers: ClinVar variation 333922 (VCV000333922.13), dbSNP rs61752190, ClinGen allele CA2080373.